The following is an entry in ClinVar:

ClinVar aggregate classification (germline): Benign/Likely benign. Review status: criteria provided, multiple submitters, no conflicts (2 of 4 stars). 7 submissions from 7 submitters: Benign (4); Likely benign (2). 1 of the submissions does not count toward it. Last evaluated 2026-07-01.

Conditions:
Cardiovascular phenotype. Identifiers: MedGen CN230736.
Cardiac arrhythmia, ankyrin-B-related. Also called: ANKYRIN-B SYNDROME. Identifiers: Orphanet 101016, Orphanet 768, MedGen C1970119, MONDO:0010958, OMIM 600919.
ANK2-related disorder. Also called: ANK2-related condition.
Long QT syndrome (LQTS). Identifiers: MedGen C0023976, MeSH D008133, MONDO:0002442. Disease mechanism: loss of function. Inheritance: Various modes of inheritance.

Allele frequency attached by ClinVar (database versions not stated): gnomAD 0.00001 and 0.00013; TOPMed 0.00007; gnomAD exomes 0.00045 and 0.00091; 1000 Genomes Project 30x 0.00078; 1000 Genomes Project 0.00080; ExAC 0.00091.
gnomAD v4.1: 685 of 1,614,068 alleles (0.042%); highest among the groups gnomAD compares: South Asian, 0.66%; 9 homozygotes.

Submissions (7):

CeGaT Center for Human Genetics Tuebingen
Classification: Benign. Last evaluated: 2026-07-01. Review status: criteria provided, single submitter. Criteria: CeGaT Center For Human Genetics Tuebingen Variant Classification Criteria Version 2. Collection method: clinical testing. Allele origin: germline. Affected: yes. Observed: 6 variant alleles.
Comment: ANK2: BP4, BS1, BS2

Labcorp Genetics (formerly Invitae), Labcorp
Classification: Benign for Long QT syndrome. Last evaluated: 2026-01-27. Review status: criteria provided, single submitter. Criteria: Invitae Variant Classification Sherloc (09022015). Collection method: clinical testing. Allele origin: germline.

Ambry Genetics
Classification: Benign for Cardiovascular phenotype. Last evaluated: 2022-02-20. Review status: criteria provided, single submitter. Criteria: Ambry Variant Classification Scheme 2023. Collection method: clinical testing. Allele origin: germline.

Genome-Nilou Lab
Classification: Benign for Cardiac arrhythmia, ankyrin-B-related. Last evaluated: 2021-12-05. Review status: criteria provided, single submitter. Criteria: ACMG Guidelines, 2015. Collection method: clinical testing. Allele origin: germline. Affected: no.

Fulgent Genetics
Classification: Likely benign for Cardiac arrhythmia, ankyrin-B-related. Last evaluated: 2021-09-14. Review status: criteria provided, single submitter. Criteria: ACMG Guidelines, 2015. Collection method: clinical testing. Allele origin: unknown.

Illumina Laboratory Services, Illumina
Classification: Likely benign for Cardiac arrhythmia, ankyrin-B-related. Last evaluated: 2018-01-13. Review status: criteria provided, single submitter. Criteria: ICSL Variant Classification Criteria 13 December 2019. Collection method: clinical testing. Allele origin: germline.
Comment: This variant was observed in the ICSL laboratory as part of a predisposition screen in an ostensibly healthy population. It had not been previously curated by ICSL or reported in the Human Gene Mutation Database (HGMD: prior to June 1st, 2018), and was therefore a candidate for classification through an automated scoring system. Utilizing variant allele frequency, disease prevalence and penetrance estimates, and inheritance mode, an automated score was calculated to assess if this variant is too frequent to cause the disease. Based on the score and internal cut-off values, a variant classified as likely benign is not then subjected to further curation. The score for this variant resulted in a classification of likely benign for this disease.

PreventionGenetics, part of Exact Sciences
Classification: Likely benign for ANK2-related condition. Last evaluated: 2024-04-09. Review status: no assertion criteria provided. Collection method: clinical testing. Allele origin: germline. Not counted in ClinVar's aggregate classification.
Comment: This variant is classified as likely benign based on ACMG/AMP sequence variant interpretation guidelines (Richards et al. 2015 PMID: 25741868, with internal and published modifications).

NM_001148.6(ANK2):c.8768A>G (p.Gln2923Arg)

Gene: ANK2 (ankyrin 2; plus strand). Cytogenetic location: 4q26.
Variant type: single nucleotide variant.
Coding change: c.8768A>G on transcript NM_001148.6 (MANE Select); coding-DNA position 8768, A replaced by G.
Protein change: p.Gln2923Arg; replaces glutamine 2923 with arginine.
Molecular consequence: missense variant. On other transcripts: intron variant (68).
Genome position (GRCh38, 1-based): chr4:113,357,386, A>G. VCF-style: chr4-113357386-A-G. GRCh37 (hg19) VCF-style: chr4-114278542-A-G.
Other names: c.8534A>G, p.Gln2845Arg (NM_001386142.1); c.5168A>G, p.Gln1723Arg (NM_001386166.1); c.8909A>G, p.Gln2970Arg (NM_001386174.1); c.8885A>G, p.Gln2962Arg (NM_001386175.1); c.4412-3437A>G (NM_001386186.2, NM_001386148.2); c.4214-3437A>G (NM_001354269.3); c.4292-3437A>G (NM_001386187.2); c.4253-3437A>G (NM_001386147.1); and 35 more; short protein forms Q2923R, Q1723R, Q2845R, Q2962R, Q2970R.
Identifiers: ClinVar variation 527057 (VCV000527057.41), dbSNP rs551454026, ClinGen allele CA3051829.